The following is an entry in ClinVar:

NM_014915.3(ANKRD26):c.153C>G (p.His51Gln)

Genes: ANKRD26 (ankyrin repeat domain 26; minus strand), LOC130003554 (ATAC-STARR-seq lymphoblastoid silent region 2243; plus strand). Cytogenetic location: 10p12.1.
Variant type: single nucleotide variant.
Coding change: c.153C>G on transcript NM_014915.3 (MANE Select); coding-DNA position 153, C replaced by G.
Protein change: p.His51Gln; replaces histidine 51 with glutamine.
Molecular consequence: missense variant.
Genome position (GRCh38, 1-based): chr10:27,100,174, G>C on the plus strand (C>G on the coding strand, the complement: ANKRD26 is on the minus strand). VCF-style: chr10-27100174-G-C. GRCh37 (hg19) VCF-style: chr10-27389103-G-C.
Other names: c.153C>G, p.His51Gln (NM_001256053.2); short protein forms H51Q.
Identifiers: ClinVar variation 210181 (VCV000210181.26), dbSNP rs139049098, ClinGen allele CA208637.

ClinVar aggregate classification (germline): Conflicting classifications of pathogenicity. Review status: criteria provided, conflicting classifications (1 of 4 stars). 8 submissions from 8 submitters: Uncertain significance (5); Likely benign (2). 1 of the submissions does not count toward it. Last evaluated 2026-08-10.

Conditions:
ANKRD26-related disorder. Also called: ANKRD26-related condition.
Thrombocytopenia 2 (THC2). Also called: ANKRD26-Related Thrombocytopenia. Identifiers: Orphanet 268322, MedGen C1861185, MONDO:0008555, OMIM 188000.

Allele frequency attached by ClinVar (database versions not stated): ESP Exome Variant Server 0.00008; TOPMed 0.00019; gnomAD exomes 0.00020 and 0.00031; ExAC 0.00021; gnomAD 0.00021; 1000 Genomes Project 0.00040; 1000 Genomes Project 30x 0.00078.
gnomAD v4.1: 487 of 1,614,112 alleles (0.03%); highest among the groups gnomAD compares: Admixed American, 0.04%; no homozygotes.

Submissions (8):

GeneDx
Classification: Uncertain significance. Last evaluated: 2026-08-10. Review status: criteria provided, single submitter. Criteria: GeneDx Variant Classification Process June 2021. Collection method: clinical testing. Allele origin: germline.
Comment: Observed via whole exome sequencing among extremely obese individuals with no other clinical details provided (PMID: 27323230); In silico analysis supports that this missense variant has a deleterious effect on protein structure/function; This variant is associated with the following publications: (PMID: 27323230)

Labcorp Genetics (formerly Invitae), Labcorp
Classification: Uncertain significance. Last evaluated: 2025-11-22. Review status: criteria provided, single submitter. Criteria: Invitae Variant Classification Sherloc (09022015). Collection method: clinical testing. Allele origin: germline.
Comment: This sequence change replaces histidine, which is basic and polar, with glutamine, which is neutral and polar, at codon 51 of the ANKRD26 protein (p.His51Gln). This variant is present in population databases (rs139049098, gnomAD 0.06%), and has an allele count higher than expected for a pathogenic variant. This variant has not been reported in the literature in individuals affected with ANKRD26-related conditions. ClinVar contains an entry for this variant (Variation ID: 210181). An algorithm developed to predict the effect of missense changes on protein structure and function (PolyPhen-2) suggests that this variant is likely to be disruptive. In summary, the available evidence is currently insufficient to determine the role of this variant in disease. Therefore, it has been classified as a Variant of Uncertain Significance.

Blueprint Genetics
Classification: Likely benign. Last evaluated: 2024-10-02. Review status: criteria provided, single submitter. Criteria: ACMG Guidelines, 2015. Collection method: clinical testing. Allele origin: germline.

St. Jude Molecular Pathology, St. Jude Children's Research Hospital
Classification: Uncertain significance for Thrombocytopenia 2. Last evaluated: 2023-12-01. Review status: criteria provided, single submitter. Criteria: St. Jude Assertion Criteria 2020. Collection method: clinical testing. Allele origin: germline.
Comment: The ANKRD26 c.153C>G (p.His51Gln) missense change has a maximum non-founder subpopulation frequency of 0.040% in gnomAD v2.1.1. This variant is not located in the 5' UTR. The in silico tool REVEL predicts a deleterious effect on protein function, but to our knowledge this prediction has not been confirmed by functional studies. To our knowledge, this variant has not been reported in individuals with ANKRD26-related thrombocytopenia. In summary, the evidence currently available is insufficient to determine the clinical significance of this variant. It has therefore been classified as of uncertain significance.

Fulgent Genetics
Classification: Uncertain significance for Thrombocytopenia 2. Last evaluated: 2018-10-31. Review status: criteria provided, single submitter. Criteria: ACMG Guidelines, 2015. Collection method: clinical testing. Allele origin: unknown.

Illumina Laboratory Services, Illumina
Classification: Likely benign for Thrombocytopenia 2. Last evaluated: 2018-01-13. Review status: criteria provided, single submitter. Criteria: ICSL Variant Classification Criteria 13 December 2019. Collection method: clinical testing. Allele origin: germline.
Comment: This variant was observed in the ICSL laboratory as part of a predisposition screen in an ostensibly healthy population. It had not been previously curated by ICSL or reported in the Human Gene Mutation Database (HGMD: prior to June 1st, 2018), and was therefore a candidate for classification through an automated scoring system. Utilizing variant allele frequency, disease prevalence and penetrance estimates, and inheritance mode, an automated score was calculated to assess if this variant is too frequent to cause the disease. Based on the score and internal cut-off values, a variant classified as likely benign is not then subjected to further curation. The score for this variant resulted in a classification of likely benign for this disease.

Genetic Services Laboratory, University of Chicago
Classification: Uncertain significance. Last evaluated: 2015-08-03. Review status: criteria provided, single submitter. Criteria: ACMG Guidelines, 2015. Collection method: clinical testing. Allele origin: germline.

PreventionGenetics, part of Exact Sciences
Classification: Likely benign for ANKRD26-related condition. Last evaluated: 2022-04-10. Review status: no assertion criteria provided. Collection method: clinical testing. Allele origin: germline. Not counted in ClinVar's aggregate classification.
Comment: This variant is classified as likely benign based on ACMG/AMP sequence variant interpretation guidelines (Richards et al. 2015 PMID: 25741868, with internal and published modifications).